The following is an entry in ClinVar:

ClinVar aggregate classification (germline): Uncertain significance (1 of 4 stars; one submission).

gnomAD v4.1: 1 of 1,062,301 alleles (0.000094%); highest among the groups gnomAD compares: Non-Finnish European, 0.00012%; no homozygotes.

Submission:

Labcorp Genetics (formerly Invitae), Labcorp
Classification: Uncertain significance. Last evaluated: 2025-06-01. Review status: criteria provided, single submitter. Criteria: Invitae Variant Classification Sherloc (09022015). Collection method: clinical testing. Allele origin: germline.
Comment: This sequence change replaces serine, which is neutral and polar, with leucine, which is neutral and non-polar, at codon 201 of the NYX protein (p.Ser201Leu). This variant is not present in population databases (gnomAD no frequency). This variant has not been reported in the literature in individuals affected with NYX-related conditions. Invitae Evidence Modeling of protein sequence and biophysical properties (such as structural, functional, and spatial information, amino acid conservation, physicochemical variation, residue mobility, and thermodynamic stability) indicates that this missense variant is not expected to disrupt NYX protein function with a negative predictive value of 80%. In summary, the available evidence is currently insufficient to determine the role of this variant in disease. Therefore, it has been classified as a Variant of Uncertain Significance.

NM_001378477.3(NYX):c.587C>T (p.Ser196Leu)

Gene: NYX (nyctalopin; plus strand). Cytogenetic location: Xp11.4.
Variant type: single nucleotide variant.
Coding change: c.587C>T on transcript NM_001378477.3 (MANE Select); coding-DNA position 587, C replaced by T.
Protein change: p.Ser196Leu; replaces serine 196 with leucine.
Molecular consequence: missense variant.
Genome position (GRCh38, 1-based): chrX:41,474,055, C>T. VCF-style: chrX-41474055-C-T. GRCh37 (hg19) VCF-style: chrX-41333308-C-T.
Other names: c.587C>T, p.Ser196Leu (NM_022567.3); short protein forms S196L.
Identifiers: ClinVar variation 4740824 (VCV004740824.1).